The following is an entry in ClinVar:

ClinVar aggregate classification (germline): Uncertain significance. Review status: reviewed by expert panel (3 of 4 stars). 3 submissions from 3 submitters: Uncertain significance (1). 2 of the submissions do not count toward it. Last evaluated 2026-05-12.

Conditions:
Galactosemia. Also called: Galactose intolerance. Identifiers: Orphanet 352, MedGen C0016952, MONDO:0018116, HP:0004919. Disease mechanism: loss of function.
Deficiency of UDPglucose-hexose-1-phosphate uridylyltransferase. Also called: GALACTOSEMIA I; GALT deficiency; Galactosemia, classic; GALACTOSE-1-PHOSPHATE URIDYLYLTRANSFERASE DEFICIENCY; Transferase Deficiency Galactosemia. Identifiers: Orphanet 352, Orphanet 79239, MedGen C0268151, MONDO:0009258, OMIM 230400.

Submissions (3):

Clingen Galactosemia Variant Curation Expert Panel, ClinGen
Classification: Uncertain significance for Galactosemia. Last evaluated: 2026-05-12. Review status: reviewed by expert panel. Criteria: ClinGen Galactosemia ACMG Specifications GALT V1.1. Collection method: curation. Allele origin: germline. Inheritance: Autosomal recessive inheritance.
Comment: The c.157T>A variant in GALT is a missense variant predicted to cause substitution of tryptophan to arginine at amino acid 53 (p.Trp53Arg). The filtering allele frequency of the c.157T>A variant in GALT is 0.000017 for Admixed American chromosomes by gnomAD v4.1.1, which is lower than the ClinGen Galactosemia threshold (≤ 0.0005) for PM2_Supporting, and therefore meets this criterion (PM2_Supporting). The computational predictor REVEL gives a score of 0.972, which is equal to or above the threshold of 0.7, evidence that correlates with impact to GALT function (PP3). In summary, this variant meets the criteria to be classified as variant of uncertain significance for galactosemia based on ACMG/AMP criteria applied, as specified by the ClinGen Galactosemia VCEP: PM2_Supporting, PP3 (05/12/2026)

Labcorp Genetics (formerly Invitae), Labcorp
Classification: Uncertain significance for Deficiency of UDPglucose-hexose-1-phosphate uridylyltransferase. Last evaluated: 2021-09-02. Review status: criteria provided, single submitter. Criteria: Invitae Variant Classification Sherloc (09022015). Collection method: clinical testing. Allele origin: germline. Not counted in ClinVar's aggregate classification.
Comment: This sequence change replaces tryptophan with arginine at codon 53 of the GALT protein (p.Trp53Arg). The tryptophan residue is highly conserved and there is a moderate physicochemical difference between tryptophan and arginine. This variant is not present in population databases (ExAC no frequency). This variant has not been reported in the literature in individuals affected with GALT-related conditions. ClinVar contains an entry for this variant (Variation ID: 430221). Algorithms developed to predict the effect of missense changes on protein structure and function are either unavailable or do not agree on the potential impact of this missense change (SIFT: "Deleterious"; PolyPhen-2: "Probably Damaging"; Align-GVGD: "Class C0"). In summary, the available evidence is currently insufficient to determine the role of this variant in disease. Therefore, it has been classified as a Variant of Uncertain Significance.

GeneDx
Classification: Likely pathogenic. Last evaluated: 2016-04-14. Review status: criteria provided, single submitter. Criteria: GeneDx Variant Classification (06012015). Collection method: clinical testing. Allele origin: germline. Affected: yes. Not counted in ClinVar's aggregate classification.
Comment: The W53R variant has not been published as a pathogenic variant, nor has it been reported as a benign variant to our knowledge. The W53R variant is a non-conservative amino acid substitution, which is likely to impact secondary protein structure as these residues differ in polarity, charge, size and/or other properties. This substitution occurs at a position that is conserved across species, and in silico analysis predicts this variant is probably damaging to the protein structure/function. Missense variants in nearby residues (R48C, R51L/Q, G55C) have been reported in the Human Gene Mutation Database in association with galactosemia (Stenson et al., 2014), supporting the functional importance of this region of the protein. Therefore, this variant is likely pathogenic; however, the possibility that it is benign cannot be excluded.

NM_000155.4(GALT):c.157T>A (p.Trp53Arg)

Genes: GALT (galactose-1-phosphate uridylyltransferase; plus strand), LOC130001683 (ATAC-STARR-seq lymphoblastoid active region 28314; plus strand). Cytogenetic location: 9p13.3.
Variant type: single nucleotide variant.
Coding change: c.157T>A on transcript NM_000155.4 (MANE Select); coding-DNA position 157, T replaced by A.
Protein change: p.Trp53Arg; replaces tryptophan 53 with arginine.
Molecular consequence: missense variant. On other transcripts: 5 prime UTR variant (1).
Genome position (GRCh38, 1-based): chr9:34,647,163, T>A. VCF-style: chr9-34647163-T-A. GRCh37 (hg19) VCF-style: chr9-34647160-T-A.
Other names: NM_000155.4(GALT):c.157T>A; p.Trp53Arg; c.-46T>A (NM_001258332.2); short protein forms W53R.
Identifiers: ClinVar variation 430221 (VCV000430221.8), dbSNP rs1131691837, ClinGen allele CA373278633.